The following is an entry in ClinVar:

NM_001009944.3(PKD1):c.7258A>G (p.Thr2420Ala)

Gene: PKD1 (polycystin 1, transient receptor potential channel interacting; minus strand). Cytogenetic location: 16p13.3.
Variant type: single nucleotide variant.
Coding change: c.7258A>G on transcript NM_001009944.3 (MANE Select); coding-DNA position 7258, A replaced by G.
Protein change: p.Thr2420Ala; replaces threonine 2420 with alanine.
Molecular consequence: missense variant.
Genome position (GRCh38, 1-based): chr16:2,106,629, T>C on the plus strand (A>G on the coding strand, the complement: PKD1 is on the minus strand). VCF-style: chr16-2106629-T-C. GRCh37 (hg19) VCF-style: chr16-2156630-T-C.
Other names: c.7258A>G, p.Thr2420Ala (NM_000296.4); short protein forms T2420A.
Identifiers: ClinVar variation 2320323 (VCV002320323.5), dbSNP rs141293772, ClinGen allele CA7831200.

ClinVar aggregate classification (germline): Conflicting classifications of pathogenicity. Review status: criteria provided, conflicting classifications (1 of 4 stars). 2 submissions from 2 submitters: Uncertain significance (1); Likely benign (1). Last evaluated 2026-02-16.

Conditions:
PKD1-related disorder. Also called: PKD1-related condition.
Inborn genetic diseases. Identifiers: MedGen C0950123, MeSH D030342.

Allele frequency attached by ClinVar (database versions not stated): gnomAD exomes 0.00002; ExAC 0.00009; 1000 Genomes Project 0.00020; ESP Exome Variant Server 0.00023; gnomAD 0.00030; TOPMed 0.00030; 1000 Genomes Project 30x 0.00031.
gnomAD v4.1: 74 of 1,597,488 alleles (0.0046%); highest among the groups gnomAD compares: African/African-American, 0.092%; no homozygotes.

Submissions (2):

PreventionGenetics, part of Exact Sciences
Classification: Likely benign for PKD1-related condition. Last evaluated: 2026-02-16. Review status: criteria provided, single submitter. Criteria: ACMG Guidelines, 2015. Collection method: clinical testing. Allele origin: germline.
Comment: This variant is classified as likely benign based on ACMG/AMP sequence variant interpretation guidelines (Richards et al. 2015 PMID: 25741868, with internal and published modifications).

Ambry Genetics
Classification: Uncertain significance for Inborn genetic diseases. Last evaluated: 2021-09-17. Review status: criteria provided, single submitter. Criteria: Ambry Variant Classification Scheme 2023. Collection method: clinical testing. Allele origin: germline.